The following is an entry in ClinVar:

NM_020166.5(MCCC1):c.220C>T (p.Gln74Ter)

Gene: MCCC1 (methylcrotonyl-CoA carboxylase subunit 1; minus strand). Cytogenetic location: 3q27.1.
Variant type: single nucleotide variant.
Coding change: c.220C>T on transcript NM_020166.5 (MANE Select); coding-DNA position 220, C replaced by T.
Protein change: p.Gln74Ter; replaces glutamine 74 with a stop codon.
Molecular consequence: nonsense. On other transcripts: non-coding transcript variant (1), intron variant (2).
Genome position (GRCh38, 1-based): chr3:183,092,462, G>A on the plus strand (C>T on the coding strand, the complement: MCCC1 is on the minus strand). VCF-style: chr3-183092462-G-A. GRCh37 (hg19) VCF-style: chr3-182810250-G-A.
Other names: c.-55+2097C>T (NM_001363880.1); c.44+2097C>T (NM_001293273.2); short protein forms Q74*.
Identifiers: ClinVar variation 1900449 (VCV001900449.5), dbSNP rs1162953685, ClinGen allele CA355321667.

ClinVar aggregate classification (germline): Pathogenic (1 of 4 stars; one submission).

Conditions:
3-methylcrotonyl-CoA carboxylase 1 deficiency (MCC1D). Also called: MCC 1 deficiency; 3 Alpha methylcrotonylglycinuria 1; MCCD TYPE 1; METHYLCROTONYLGLYCINURIA TYPE I. Identifiers: Orphanet 6, MedGen CN028786, MONDO:0008861, OMIM 210200.

Allele frequency attached by ClinVar (database versions not stated): gnomAD exomes below 0.00001; TOPMed below 0.00001.
gnomAD v4.1: 2 of 1,614,202 alleles (0.00012%); highest among the groups gnomAD compares: East Asian, 0.0022%; no homozygotes.

Submission:

Labcorp Genetics (formerly Invitae), Labcorp
Classification: Pathogenic for 3-methylcrotonyl-CoA carboxylase 1 deficiency. Last evaluated: 2022-03-03. Review status: criteria provided, single submitter. Criteria: Invitae Variant Classification Sherloc (09022015). Collection method: clinical testing. Allele origin: germline.
Comment: This sequence change creates a premature translational stop signal (p.Gln74*) in the MCCC1 gene. It is expected to result in an absent or disrupted protein product. Loss-of-function variants in MCCC1 are known to be pathogenic (PMID: 11181649, 15359379, 22642865). This variant is present in population databases (no rsID available, gnomAD 0.006%). For these reasons, this variant has been classified as Pathogenic. Algorithms developed to predict the effect of sequence changes on RNA splicing suggest that this variant may disrupt the consensus splice site. This variant has not been reported in the literature in individuals affected with MCCC1-related conditions.

Literature cited by the submitters: PubMed 11181649; PubMed 15359379; PubMed 22642865.